The following is an entry in ClinVar:

NM_000384.3(APOB):c.12905T>C (p.Leu4302Pro)

Gene: APOB (apolipoprotein B; minus strand). Cytogenetic location: 2p24.1.
Variant type: single nucleotide variant.
Coding change: c.12905T>C on transcript NM_000384.3 (MANE Select); coding-DNA position 12905, T replaced by C.
Protein change: p.Leu4302Pro; replaces leucine 4302 with proline.
Molecular consequence: missense variant.
Genome position (GRCh38, 1-based): chr2:21,002,517, A>G on the plus strand (T>C on the coding strand, the complement: APOB is on the minus strand). VCF-style: chr2-21002517-A-G. GRCh37 (hg19) VCF-style: chr2-21225389-A-G.
Other names: short protein forms L4302P.
Identifiers: ClinVar variation 2495927 (VCV002495927.4), dbSNP rs759688115, ClinGen allele CA345970234.
Genomic context (GRCh38, chr2:21,002,517, plus strand): 5'-AATTTCATCTCTTTCAGCTGTTTAATGTTATCTTCTATTAGTTGGAAAATGAATTGTAAA[A>G]GGTCCTGAAGATTACGTAGCACCTCTGTGGTCTTGAGAGACTGAATGGCTTTAAATACCT-3'
Protein context (NP_000375.3, residues 4292-4312): TTEVLRNLQD[Leu4302Pro]LQFIFQLIED

ClinVar aggregate classification (germline): Uncertain significance. Review status: criteria provided, multiple submitters, no conflicts (2 of 4 stars). 2 submissions from 2 submitters: Uncertain significance (2). Last evaluated 2026-09-11.

Conditions:
Familial hypobetalipoproteinemia 1. Also called: APOB-Related Familial Hypobetalipoproteinemia; Hypobetalipoproteinemia, normotriglyceridemic; Acanthocytosis with hypobetalipoproteinemia. Identifiers: MedGen C4551990, MONDO:0014252, OMIM 615558.
Hypercholesterolemia, autosomal dominant, type B (FHCL2). Also called: Hyperlipoproteinemia Type IIb; Familial Hypercholesterolemia Type B; APOLIPOPROTEIN B-100, FAMILIAL DEFECTIVE; APOLIPOPROTEIN B-100, FAMILIAL LIGAND-DEFECTIVE; HYPERCHOLESTEROLEMIA, FAMILIAL, DUE TO LIGAND-DEFECTIVE APOLIPOPROTEIN B; Familial hypercholesterolemia 2. Identifiers: MedGen C1704417, MONDO:0007751, OMIM 144010.
Cardiovascular phenotype. Identifiers: MedGen CN230736.

Submissions (2):

Ambry Genetics
Classification: Uncertain significance for Cardiovascular phenotype. Last evaluated: 2026-09-11. Review status: criteria provided, single submitter. Criteria: Ambry Variant Classification Scheme 2023. Collection method: clinical testing. Allele origin: germline.
Comment: The p.L4302P variant (also known as c.12905T>C), located in coding exon 29 of the APOB gene, results from a T to C substitution at nucleotide position 12905. The leucine at codon 4302 is replaced by proline, an amino acid with similar properties. This amino acid position is conserved. In addition, this alteration is predicted to be tolerated by in silico analysis. Based on the available evidence, the clinical significance of this variant remains unclear.

Labcorp Genetics (formerly Invitae), Labcorp
Classification: Uncertain significance for Familial hypobetalipoproteinemia 1; Hypercholesterolemia, autosomal dominant, type B. Last evaluated: 2025-10-27. Review status: criteria provided, single submitter. Criteria: Invitae Variant Classification Sherloc (09022015). Collection method: clinical testing. Allele origin: germline.
Comment: This sequence change replaces leucine, which is neutral and non-polar, with proline, which is neutral and non-polar, at codon 4302 of the APOB protein (p.Leu4302Pro). This variant is not present in population databases (gnomAD no frequency). This variant has not been reported in the literature in individuals affected with APOB-related conditions. ClinVar contains an entry for this variant (Variation ID: 2495927). Invitae Evidence Modeling of protein sequence and biophysical properties (such as structural, functional, and spatial information, amino acid conservation, physicochemical variation, residue mobility, and thermodynamic stability) indicates that this missense variant is not expected to disrupt APOB protein function with a negative predictive value of 95%. In summary, the available evidence is currently insufficient to determine the role of this variant in disease. Therefore, it has been classified as a Variant of Uncertain Significance.